The following is an entry in ClinVar:

ClinVar aggregate classification (germline): Likely benign. Review status: criteria provided, multiple submitters, no conflicts (2 of 4 stars). 2 submissions from 2 submitters: Likely benign (2). Last evaluated 2025-06-04.

Conditions:
Breast-ovarian cancer, familial, susceptibility to, 4. Identifiers: Orphanet 145, MedGen C3280345, MONDO:0013669, OMIM 614291.

Allele frequency attached by ClinVar (database versions not stated): gnomAD exomes below 0.00001 and 0.00001.
gnomAD v4.1: 2 of 1,610,668 alleles (0.00012%); highest among the groups gnomAD compares: Admixed American, 0.0033%; no homozygotes.

Submissions (2):

Labcorp Genetics (formerly Invitae), Labcorp
Classification: Likely benign for Breast-ovarian cancer, familial, susceptibility to, 4. Last evaluated: 2025-06-04. Review status: criteria provided, single submitter. Criteria: Invitae Variant Classification Sherloc (09022015). Collection method: clinical testing. Allele origin: germline.

Myriad Genetics, Inc.
Classification: Likely benign for Breast-ovarian cancer, familial, susceptibility to, 4. Last evaluated: 2025-02-20. Review status: criteria provided, single submitter. Criteria: Myriad Autosomal Dominant, Autosomal Recessive and X-Linked Classification Criteria (2023). Collection method: clinical testing. Allele origin: unknown.
Comment: This variant is considered likely benign. This variant is intronic and is not expected to impact mRNA splicing.

NM_002878.4(RAD51D):c.82+10T>A

Genes: RAD51D (RAD51 paralog D; minus strand), RAD51L3-RFFL (RAD51L3-RFFL readthrough; minus strand). Cytogenetic location: 17q12.
Variant type: single nucleotide variant.
Coding change: c.82+10T>A on transcript NM_002878.4 (MANE Select); 10 bases into the intron after coding-DNA position 82, T replaced by A.
Molecular consequence: intron variant.
Genome position (GRCh38, 1-based): chr17:35,119,522, A>T on the plus strand (T>A on the coding strand, the complement: RAD51D is on the minus strand). VCF-style: chr17-35119522-A-T. GRCh37 (hg19) VCF-style: chr17-33446541-A-T.
Other names: c.82+10T>A (NM_133629.3, NM_001142571.2).
Identifiers: ClinVar variation 1132490 (VCV001132490.10), dbSNP rs1185845666, ClinGen allele CA625782589.
Genomic context (GRCh38, chr17:35,119,522, plus strand): 5'-GCCAGCCCTCGGGGCCTGCCCAGGTTGTGCGAGGCCCGCGCGGCTCCCTGGCACGCGCAC[A>T]CCCGGTCACCTGTCTTGATCCTGTGGCTCCTGAGAAGCTGGATCATCTCCTCGGTAAGGC-3'